The following is an entry in ClinVar:

GRCh38/hg38 16p11.2(chr16:29566440-30187279)x3

Genes: ALDOA (aldolase, fructose-bisphosphate A; plus strand), ASPHD1 (aspartate beta-hydroxylase domain containing 1; plus strand), C16orf54 (chromosome 16 open reading frame 54; minus strand), CDIPT (CDP-diacylglycerol--inositol 3-phosphatidyltransferase; minus strand), CDIPTOSP (CDIP transferase opposite strand, pseudogene; plus strand) and 104 more. Cytogenetic location: 16p11.2.
Variant type: copy number gain.
Change: copy number 3 (three copies instead of two) of chr16:29,566,440-30,187,279 (620.8 kb, GRCh38 coordinates, 1-based), cytogenetic band 16p11.2.
Identifiers: ClinVar variation 60465 (VCV000060465.4).

ClinVar aggregate classification (germline): Pathogenic (0 of 4 stars; one submission).

Submission:

ISCA Site 6
Classification: Pathogenic. Last evaluated: 2018-02-05. Review status: no assertion criteria provided. Collection method: clinical testing. Allele origin: unknown. Affected: yes. Observed: 1 variant allele.
Comment: 16p11.2 recurrent region (includes TBX6) (proximal region) (BP4-BP5) (hg19 chr16: 29,649,996-30,199,855), enriched in cases with ID/DD, MCA etc vs controls, ClinGen triplosensitivity score = 3

Copy number variation identified through the course of routine clinical cytogenomic testing in postnatal populations. Clinical assertions have been curated as described in Kaminsky et al. 2011.

Copy number variation identified through the course of routine clinical cytogenomic testing in postnatal populations. Clinical assertions have been curated as described in Kaminsky, et al. 2011 (PubMed 21844811). For additional ClinGen data, please see nstd37.